The following is an entry in ClinVar:

NM_182641.4(BPTF):c.1865-5642A>G

Gene: BPTF (bromodomain PHD finger transcription factor; plus strand). Cytogenetic location: 17q24.2.
Variant type: single nucleotide variant.
Coding change: c.1865-5642A>G on transcript NM_182641.4 (MANE Select); 5642 bases into the intron before coding-DNA position 1865, A replaced by G.
Molecular consequence: intron variant. On other transcripts: missense variant (4).
Genome position (GRCh38, 1-based): chr17:67,886,202, A>G. VCF-style: chr17-67886202-A-G. GRCh37 (hg19) VCF-style: chr17-65882318-A-G.
Other names: c.2128A>G, p.Ser710Gly (NM_001439140.1, NM_001439142.1, NM_004459.7); c.1939A>G, p.Ser647Gly (NM_001439143.1); c.2054-5642A>G (NM_001439141.1, NM_001439139.1, NM_001439144.1); short protein forms S647G, S710G.
Identifiers: ClinVar variation 4883418 (VCV004883418.2).

ClinVar aggregate classification (germline): Uncertain significance (1 of 4 stars; one submission).

gnomAD v4.1: 6 of 1,614,058 alleles (0.00037%); highest among the groups gnomAD compares: African/African-American, 0.0053%; no homozygotes.

Submission:

Dasa
Classification: Uncertain significance. Last evaluated: 2024-11-06. Review status: criteria provided, single submitter. Criteria: DASA Assertion Criteria. Collection method: clinical testing. Allele origin: germline.
Comment: NM_004459.7(BPTF):c.2128A>G (p.Ser710Gly) is a missense variant that results in the substitution of serine with glycine. This variant is rare in population databases. Computational prediction algorithms are consistent with a benign effect. The currently available literature and clinical evidence are not sufficient to establish a definitive association between this variant and the reported condition. Therefore, this variant is classified as a variant of uncertain significance.